The following is an entry in ClinVar:

NM_001292034.3(TAB2):c.500T>A (p.Leu167His)

Gene: TAB2 (TGF-beta activated kinase 1 (MAP3K7) binding protein 2; plus strand). Cytogenetic location: 6q25.1.
Variant type: single nucleotide variant.
Coding change: c.500T>A on transcript NM_001292034.3 (MANE Select); coding-DNA position 500, T replaced by A.
Protein change: p.Leu167His; replaces leucine 167 with histidine.
Molecular consequence: missense variant.
Genome position (GRCh38, 1-based): chr6:149,378,415, T>A. VCF-style: chr6-149378415-T-A. GRCh37 (hg19) VCF-style: chr6-149699551-T-A.
Other names: c.404T>A, p.Leu135His (NM_001292035.3); c.500T>A, p.Leu167His (NM_001369506.1, NM_015093.6); short protein forms L135H, L167H.
Identifiers: ClinVar variation 2862721 (VCV002862721.3), dbSNP rs2483386502, ClinGen allele CA365994707.

ClinVar aggregate classification (germline): Uncertain significance (1 of 4 stars; one submission).

Submission:

Labcorp Genetics (formerly Invitae), Labcorp
Classification: Uncertain significance. Last evaluated: 2023-08-28. Review status: criteria provided, single submitter. Criteria: Invitae Variant Classification Sherloc (09022015). Collection method: clinical testing. Allele origin: germline.
Comment: Advanced modeling of protein sequence and biophysical properties (such as structural, functional, and spatial information, amino acid conservation, physicochemical variation, residue mobility, and thermodynamic stability) performed at Invitae indicates that this missense variant is not expected to disrupt TAB2 protein function. In summary, the available evidence is currently insufficient to determine the role of this variant in disease. Therefore, it has been classified as a Variant of Uncertain Significance. This variant has not been reported in the literature in individuals affected with TAB2-related conditions. This variant is not present in population databases (gnomAD no frequency). This sequence change replaces leucine, which is neutral and non-polar, with histidine, which is basic and polar, at codon 167 of the TAB2 protein (p.Leu167His).